The following is an entry in ClinVar:

NM_016151.4(TAOK2):c.1993-91_1993-9del

Gene: TAOK2 (TAO kinase 2; plus strand). Cytogenetic location: 16p11.2.
Variant type: Deletion.
Coding change: c.1993-91_1993-9del on transcript NM_016151.4 (MANE Select); 91 bases into the intron before coding-DNA position 1993 through 9 bases into the intron before coding-DNA position 1993, 83 bases deleted.
Molecular consequence: intron variant.
Genome position (GRCh38, 1-based): chr16:29,986,174-29,986,256, 83 bases deleted. GRCh37 (hg19): chr16:29,997,495-29,997,577.
Other names: c.1993-91_1993-9del (NM_004783.4, NM_001252043.2).
Identifiers: ClinVar variation 2967381 (VCV002967381.3), dbSNP rs1567247929, ClinGen allele CA622165762.

ClinVar aggregate classification (germline): Uncertain significance (1 of 4 stars; one submission).

Submission:

Labcorp Genetics (formerly Invitae), Labcorp
Classification: Uncertain significance. Last evaluated: 2023-10-25. Review status: criteria provided, single submitter. Criteria: Invitae Variant Classification Sherloc (09022015). Collection method: clinical testing. Allele origin: germline.
Comment: This sequence change falls in intron 15 of the TAOK2 gene. It does not directly change the encoded amino acid sequence of the TAOK2 protein. This variant is present in population databases (no rsID available, gnomAD 0.01%). This variant has not been reported in the literature in individuals affected with TAOK2-related conditions. In summary, the available evidence is currently insufficient to determine the role of this variant in disease. Therefore, it has been classified as a Variant of Uncertain Significance.